The following is an entry in ClinVar:

NM_003764.4(STX11):c.90C>A (p.His30Gln)

Gene: STX11 (syntaxin 11; plus strand). Cytogenetic location: 6q24.2.
Variant type: single nucleotide variant.
Coding change: c.90C>A on transcript NM_003764.4 (MANE Select); coding-DNA position 90, C replaced by A.
Protein change: p.His30Gln; replaces histidine 30 with glutamine.
Molecular consequence: missense variant.
Genome position (GRCh38, 1-based): chr6:144,186,717, C>A. VCF-style: chr6-144186717-C-A. GRCh37 (hg19) VCF-style: chr6-144507854-C-A.
Other names: short protein forms H30Q.
Identifiers: ClinVar variation 1976379 (VCV001976379.5), dbSNP rs751806887, ClinGen allele CA4031616.

ClinVar aggregate classification (germline): Conflicting classifications of pathogenicity. Review status: criteria provided, conflicting classifications (1 of 4 stars). 3 submissions from 3 submitters: Uncertain significance (2); Likely benign (1). Last evaluated 2024-01-25.

Conditions:
Familial hemophagocytic lymphohistiocytosis 4 (FHL4). Also called: STX11-Related Familial Hemophagocytic Lymphohistiocytosis (STX11-fHLH). Identifiers: Orphanet 540, MedGen C1863728, MONDO:0011336, OMIM 603552.
Inborn genetic diseases. Identifiers: MedGen C0950123, MeSH D030342.

Submissions (3):

Blueprint Genetics
Classification: Likely benign. Last evaluated: 2024-01-25. Review status: criteria provided, single submitter. Criteria: ACMG Guidelines, 2015. Collection method: clinical testing. Allele origin: germline.

Ambry Genetics
Classification: Uncertain significance for Inborn genetic diseases. Last evaluated: 2023-05-17. Review status: criteria provided, single submitter. Criteria: Ambry Variant Classification Scheme 2023. Collection method: clinical testing. Allele origin: germline.

Labcorp Genetics (formerly Invitae), Labcorp
Classification: Uncertain significance for Familial hemophagocytic lymphohistiocytosis 4. Last evaluated: 2022-08-22. Review status: criteria provided, single submitter. Criteria: Invitae Variant Classification Sherloc (09022015). Collection method: clinical testing. Allele origin: germline.
Comment: This sequence change replaces histidine, which is basic and polar, with glutamine, which is neutral and polar, at codon 30 of the STX11 protein (p.His30Gln). This variant is present in population databases (rs751806887, gnomAD 0.02%), including at least one homozygous and/or hemizygous individual. This variant has not been reported in the literature in individuals affected with STX11-related conditions. Algorithms developed to predict the effect of missense changes on protein structure and function output the following: SIFT: "Tolerated"; PolyPhen-2: "Benign"; Align-GVGD: "Class C0". The glutamine amino acid residue is found in multiple mammalian species, which suggests that this missense change does not adversely affect protein function. In summary, the available evidence is currently insufficient to determine the role of this variant in disease. Therefore, it has been classified as a Variant of Uncertain Significance.